The following is an entry in ClinVar:

ClinVar aggregate classification (germline): Likely benign. Review status: criteria provided, multiple submitters, no conflicts (2 of 4 stars). 2 submissions from 2 submitters: Likely benign (2). Last evaluated 2025-08-05.

Conditions:
Brown-Vialetto-van Laere syndrome 1. Also called: BROWN-VIALETTO-VAN LAERE SYNDROME 1, MILD; BULBAR PALSY, PROGRESSIVE, WITH SENSORINEURAL DEAFNESS; PONTOBULBAR PALSY WITH DEAFNESS. Identifiers: Orphanet 572550, Orphanet 97229, MedGen C0796274, MONDO:0024537, OMIM 211530.

Allele frequency attached by ClinVar (database versions not stated): gnomAD exomes 0.00009 and 0.00015; TOPMed 0.00001; gnomAD 0.00015; ExAC 0.00016; 1000 Genomes Project 30x 0.00031; 1000 Genomes Project 0.00040.
gnomAD v4.1: 146 of 1,614,104 alleles (0.009%); highest among the groups gnomAD compares: Non-Finnish European, 0.0039%; no homozygotes.

Submissions (2):

Labcorp Genetics (formerly Invitae), Labcorp
Classification: Likely benign for Brown-Vialetto-van Laere syndrome 1. Last evaluated: 2025-08-05. Review status: criteria provided, single submitter. Criteria: Invitae Variant Classification Sherloc (09022015). Collection method: clinical testing. Allele origin: germline.

CeGaT Center for Human Genetics Tuebingen
Classification: Likely benign. Last evaluated: 2024-07-01. Review status: criteria provided, single submitter. Criteria: CeGaT Center For Human Genetics Tuebingen Variant Classification Criteria Version 2. Collection method: clinical testing. Allele origin: germline. Affected: yes. Observed: 1 variant allele.
Comment: SLC52A3: BP4, BP7

NM_033409.4(SLC52A3):c.711G>A (p.Ala237=)

Gene: SLC52A3 (solute carrier family 52 member 3; minus strand). Cytogenetic location: 20p13.
Variant type: single nucleotide variant.
Coding change: c.711G>A on transcript NM_033409.4 (MANE Select); coding-DNA position 711, G replaced by A.
Protein change: p.Ala237=; no amino-acid change (alanine 237 retained).
Molecular consequence: synonymous variant.
Genome position (GRCh38, 1-based): chr20:763,860, C>T on the plus strand (G>A on the coding strand, the complement: SLC52A3 is on the minus strand). VCF-style: chr20-763860-C-T. GRCh37 (hg19) VCF-style: chr20-744504-C-T.
Other names: c.711G>A, p.Ala237= (NM_001370085.1, NM_001370086.1).
Identifiers: ClinVar variation 706651 (VCV000706651.28), dbSNP rs183391382, ClinGen allele CA9724697.